The following is an entry in ClinVar:

ClinVar aggregate classification (germline): Likely pathogenic (1 of 4 stars; one submission).

Conditions:
Hereditary pheochromocytoma and paraganglioma. Also called: Hereditary paragangliomas and pheochromocytomas; Hereditary Paraganglioma-Pheochromocytoma Syndromes; Hereditary pheochromocytoma-paraganglioma. Identifiers: Orphanet 29072, MedGen C4274332, MONDO:0017366.

Submission:

Department of Clinical Genetics, Copenhagen University Hospital, Rigshospitalet
Classification: Likely pathogenic for Hereditary pheochromocytoma and paraganglioma. Last evaluated: 2025-01-24. Review status: criteria provided, single submitter. Criteria: ACMG Guidelines, 2015. Collection method: clinical testing. Allele origin: germline.
Comment: The following ACMG criteria have been used in classification: PM2_SUP; PVS1

Literature cited by the submitters: PubMed 27279923.

NM_003000.3:c.1_765del

Gene: SDHB (succinate dehydrogenase complex iron sulfur subunit B; minus strand).
Variant type: Deletion.
Other names: c.1_765del (NM_003000.3).
Identifiers: ClinVar variation 3602773 (VCV003602773.2).